The following continues an entry in ClinVar:

NM_000492.4(CFTR):c.1646G>A (p.Ser549Asn)

ClinVar aggregate classification (germline): Pathogenic; drug response. Pathogenic (1).

Submissions 11 to 24 of 28:

Quest Diagnostics Nichols Institute San Juan Capistrano
Classification: Pathogenic. Last evaluated: 2024-09-25. Review status: criteria provided, single submitter. Criteria: Quest Diagnostics criteria. Collection method: clinical testing. Allele origin: unknown. Not counted in ClinVar's aggregate classification.
Comment: The CFTR c.1646G>A (p.Ser549Asn) variant has been reported in the published literature as homozygous and compound heterozygous in individuals with cystic fibrosis (PMIDs: 1695717 (1990), 7680378 (1993), 23027855 (2012), 24081349 (2013), 26708955 (2016), 29360847 (2018), and 32429104 (2020)). In addition, in vitro functional studies have shown that this variant reduces chloride channel activity (PMIDs: 25042876 (2015) and 23974870 (2013)). The frequency of this variant in the general population, 0.00039 (12/30596 chromosomes (Genome Aggregation Database)), is uninformative in the assessment of its pathogenicity. Analysis of this variant using bioinformatics tools for the prediction of the effect of amino acid changes on protein structure and function yielded predictions that this variant is damaging. Based on the available information, this variant is classified as pathogenic.

Baylor Genetics
Classification: Pathogenic for Bronchiectasis with or without elevated sweat chloride 1. Last evaluated: 2024-02-27. Review status: criteria provided, single submitter. Criteria: ACMG Guidelines, 2015. Collection method: clinical testing. Allele origin: unknown. Not counted in ClinVar's aggregate classification.

Fulgent Genetics
Classification: Pathogenic for Hereditary pancreatitis; Bronchiectasis with or without elevated sweat chloride 1; Cystic fibrosis; Congenital bilateral aplasia of vas deferens from CFTR mutation. Last evaluated: 2024-02-21. Review status: criteria provided, single submitter. Criteria: ACMG Guidelines, 2015. Collection method: clinical testing. Allele origin: germline. Not counted in ClinVar's aggregate classification.

Institute of Medical Genetics and Genomics, Sir Ganga Ram Hospital
Classification: Pathogenic for Cystic fibrosis. Last evaluated: 2023-10-27. Review status: criteria provided, single submitter. Criteria: ACMG Guidelines, 2015. Collection method: clinical testing. Allele origin: germline. Inheritance: Autosomal recessive inheritance. Affected: yes. Observed: 1 heterozygote. Not counted in ClinVar's aggregate classification.
Comment: This nucleotide change is present in gnomAD database with a low allele frequency 0.0085% [PM2]. Insilico prediction [REVEL=0.91] predicts deleterious nature of this variant [PP3]. This variant is identified in trans [PM3] with a previously reported “Pathogenic” p.Phe508del variant . A clinvar entry for this variant is available. This variant is submitted to clinvar database [Variation ID: 7116] with “Pathogenic” interpretation by multiple submitter [PP5]. Based on the clinical correlation and available evidence, this variant is classified as "Pathogenic".

Revvity Omics, Revvity
Classification: Pathogenic. Last evaluated: 2022-08-05. Review status: criteria provided, single submitter. Criteria: ACMG Guidelines, 2015. Collection method: clinical testing. Allele origin: germline. Not counted in ClinVar's aggregate classification.

Mendelics
Classification: Pathogenic for Hereditary pancreatitis. Last evaluated: 2022-05-04. Review status: criteria provided, single submitter. Criteria: Mendelics Assertion Criteria 2019. Collection method: clinical testing. Allele origin: germline. Not counted in ClinVar's aggregate classification.

Baylor Genetics
Classification: Pathogenic for Cystic fibrosis. Last evaluated: 2021-02-09. Review status: criteria provided, single submitter. Criteria: ACMG Guidelines, 2015. Collection method: clinical testing. Allele origin: unknown. Affected: yes. Study: CSER-TexasKidsCanSeq. Not counted in ClinVar's aggregate classification.
Comment: This variant was determined to be pathogenic according to ACMG Guidelines, 2015 [PMID:25741868].

ARUP Laboratories, Molecular Genetics and Genomics, ARUP Laboratories
Classification: Pathogenic. Last evaluated: 2020-04-03. Review status: criteria provided, single submitter. Criteria: ARUP Molecular Germline Variant Investigation Process. Collection method: clinical testing. Allele origin: germline. Not counted in ClinVar's aggregate classification.
Comment: The CFTR c.1646G>A; p.Ser549Asn variant (rs121908755) is reported in the literature as a common variant in individuals affected with cystic fibrosis, and is associated with pancreatic insufficiency (Castellani 2008, Cutting 1990, Masica 2015, Sharma 2015, Sosnay 2013). This variant is also reported in individuals affected with CFTR-related disorders when found with a pathogenic-mild variant on the opposite chromosome (Masson 2013, Ooi 2012, Sharma 2014). This variant is reported in ClinVar (Variation ID: 7116), and is found in the general population with an overall allele frequency of 0.0085% (24/282312 alleles) in the Genome Aggregation Database. The serine at codon 549 is highly conserved and is located in the ATP binding site, and computational analyses (SIFT, PolyPhen-2) predict that this variant is deleterious. In vitro functional analyses demonstrate defects in channel gating and function (Sharma 2015, Yu 2012). Additionally, other variants at this codon (c.1645A>C; p.Ser549Arg, c.1647T>G; p.Ser549Arg) have been reported in individuals with cystic fibrosis and are considered pathogenic (Castellani 2008, Masica 2015, Sosnay 2013). Based on available information, the p.Ser549Asn variant is considered to be pathogenic. References: Castellani C et al. Consensus on the use and interpretation of cystic fibrosis mutation analysis in clinical practice. J Cyst Fibros. 2008 May;7(3):179-96. Cutting GR et al. A cluster of cystic fibrosis mutations in the first nucleotide-binding fold of the cystic fibrosis conductance regulator protein. Nature. 1990 Jul 26;346(6282):366-9. Masica DL et al. Missense variants in CFTR nucleotide-binding domains predict quantitative phenotypes associated with cystic fibrosis disease severity. Hum Mol Genet. 2015 Apr 1;24(7):1908-17. Masson E et al. A conservative assessment of the major genetic causes of idiopathic chronic pancreatitis: data from a comprehensive analysis of PRSS1, SPINK1, CTRC and CFTR genes in 253 young French patients. PLoS One. 2013 Aug 8;8(8):e73522. Ooi CY and Durie PR. Cystic fibrosis transmembrane conductance regulator (CFTR) gene mutations in pancreatitis. J Cyst Fibros. 2012 Sep;11(5):355-62. Sharma H et al. Heterogeneous spectrum of mutations in CFTR gene from Indian patients with congenital absence of the vas deferens and their association with cystic fibrosis genetic modifiers. Mol Hum Reprod. 2014 Sep;20(9):827-35. Sharma H et al. Function, pharmacological correction and maturation of new Indian CFTR gene mutations. J Cyst Fibros. 2015 Jan;14(1):34-41. Sosnay PR et al. Defining the disease liability of variants in the cystic fibrosis transmembrane conductance regulator gene. Nat Genet. 2013 Oct;45(10):1160-7. Yu H et al. Ivacaftor potentiation of multiple CFTR channels with gating mutations. J Cyst Fibros. 2012 May;11(3):237-45.

Myriad Genetics, Inc.
Classification: Pathogenic for Cystic fibrosis. Last evaluated: 2019-10-18. Review status: criteria provided, single submitter. Criteria: Myriad Women's Health Autosomal Recessive and X-Linked Classification Criteria (2019). Collection method: clinical testing. Allele origin: unknown. Not counted in ClinVar's aggregate classification.
Comment: NM_000492.3(CFTR):c.1646G>A(S549N) is classified as pathogenic in the context of cystic fibrosis and is associated with the classic form of the disease. Sources cited for classification include the following: PMID 1695717, 18456578, and 23974870. Classification of NM_000492.3(CFTR):c.1646G>A(S549N) is based on the following criteria: This is a well-established pathogenic variant in the literature that has been observed more frequently in patients with clinical diagnoses than in healthy populations. Please note: this variant was assessed in the context of healthy population screening.

Johns Hopkins Genomics, Johns Hopkins University
Classification: Pathogenic for Cystic fibrosis. Last evaluated: 2019-09-15. Review status: criteria provided, single submitter. Criteria: ACMG Guidelines, 2015. Collection method: clinical testing. Allele origin: germline. Not counted in ClinVar's aggregate classification.
Comment: See CFTR2 for phenotype information.

Eurofins Ntd Llc (ga)
Classification: Pathogenic. Last evaluated: 2018-07-30. Review status: criteria provided, single submitter. Criteria: EGL ClinVar v180209 classification definitions. Collection method: clinical testing. Allele origin: germline. Observed: 1 variant allele, 1 heterozygote. Not counted in ClinVar's aggregate classification.

CFTR-France
Classification: Pathogenic for cystic fibrosis. Last evaluated: 2018-01-29. Review status: criteria provided, single submitter. Criteria: Claustres M et al. (Hum Mutat 2017). Collection method: curation. Allele origin: germline. Affected: yes. Not counted in ClinVar's aggregate classification.

Women's Health and Genetics/Laboratory Corporation of America, LabCorp
Classification: Pathogenic for Cystic fibrosis. Last evaluated: 2016-04-12. Review status: criteria provided, single submitter. Criteria: LabCorp Variant Classification Summary - May 2015. Collection method: clinical testing. Allele origin: germline. Not counted in ClinVar's aggregate classification.
Comment: Variant summary: The c.1646G>A variant affects a conserved nucleotide, resulting in amino acid change from Ser to Asn. 4/5 in-silico tools predict this variant to be damaging. This variant is found in 13/120694 control chromosomes at a frequency of 0.0001077, which does not exceed maximal expected frequency of a pathogenic allele (0.0129603). This variant is a well-known pathogenic variant and has been reported in numerous CF patients. Variants affecting same amino acid, i.e. p.Ser549Arg, p.Ser549Ile, have been classified as pathogenic, suggesting Ser549 is critical for CFTR function. In addition, multiple clinical laboratories/reputable databases classified this variant as pathogenic. Taken together, this variant was classified as pathogenic.

Baylor Genetics
Classification: Pathogenic for Congenital bilateral aplasia of vas deferens from CFTR mutation; Cystic fibrosis. Review status: criteria provided, single submitter. Criteria: ACMG Guidelines, 2015. Collection method: clinical testing. Allele origin: germline. Not counted in ClinVar's aggregate classification.